The following is an entry in ClinVar:

ClinVar aggregate classification (germline): Uncertain significance (1 of 4 stars; one submission).

Conditions:
Multiple acyl-CoA dehydrogenase deficiency (MADD). Also called: ETHYLMALONIC-ADIPICACIDURIA; GA II; Glutaric aciduria, type 2; Glutaric acidemia type II; GA 2; Glutaric Acidemia type 2. Identifiers: Orphanet 26791, MedGen C0268596, MONDO:0009282, OMIM 231680.

Allele frequency attached by ClinVar (database versions not stated): gnomAD exomes below 0.00001.
gnomAD v4.1: 1 of 1,604,768 alleles (0.000062%); highest among the groups gnomAD compares: Non-Finnish European, 0.000085%; no homozygotes.

Submission:

Labcorp Genetics (formerly Invitae), Labcorp
Classification: Uncertain significance for Multiple acyl-CoA dehydrogenase deficiency. Last evaluated: 2023-11-27. Review status: criteria provided, single submitter. Criteria: Invitae Variant Classification Sherloc (09022015). Collection method: clinical testing. Allele origin: germline.
Comment: This sequence change replaces aspartic acid, which is acidic and polar, with glycine, which is neutral and non-polar, at codon 328 of the ETFDH protein (p.Asp328Gly). This variant is not present in population databases (gnomAD no frequency). This variant has not been reported in the literature in individuals affected with ETFDH-related conditions. ClinVar contains an entry for this variant (Variation ID: 2199697). Advanced modeling of protein sequence and biophysical properties (such as structural, functional, and spatial information, amino acid conservation, physicochemical variation, residue mobility, and thermodynamic stability) performed at Invitae indicates that this missense variant is not expected to disrupt ETFDH protein function with a negative predictive value of 80%. In summary, the available evidence is currently insufficient to determine the role of this variant in disease. Therefore, it has been classified as a Variant of Uncertain Significance.

NM_004453.4(ETFDH):c.983A>G (p.Asp328Gly)

Gene: ETFDH (electron transfer flavoprotein dehydrogenase; plus strand). Cytogenetic location: 4q32.1.
Variant type: single nucleotide variant.
Coding change: c.983A>G on transcript NM_004453.4 (MANE Select); coding-DNA position 983, A replaced by G.
Protein change: p.Asp328Gly; replaces aspartic acid 328 with glycine.
Molecular consequence: missense variant.
Genome position (GRCh38, 1-based): chr4:158,698,997, A>G. VCF-style: chr4-158698997-A-G. GRCh37 (hg19) VCF-style: chr4-159620149-A-G.
Other names: c.842A>G, p.Asp281Gly (NM_001281737.2); c.800A>G, p.Asp267Gly (NM_001281738.1); short protein forms D267G, D281G, D328G.
Identifiers: ClinVar variation 2199697 (VCV002199697.4), dbSNP rs2479120698, ClinGen allele CA358561913.